The following is an entry in ClinVar:

NM_152703.5(SAMD9L):c.4267T>C (p.Tyr1423His)

Gene: SAMD9L (sterile alpha motif domain containing 9 like; minus strand). Cytogenetic location: 7q21.2.
Variant type: single nucleotide variant.
Coding change: c.4267T>C on transcript NM_152703.5 (MANE Select); coding-DNA position 4267, T replaced by C.
Protein change: p.Tyr1423His; replaces tyrosine 1423 with histidine.
Molecular consequence: missense variant.
Genome position (GRCh38, 1-based): chr7:93,131,705, A>G on the plus strand (T>C on the coding strand, the complement: SAMD9L is on the minus strand). VCF-style: chr7-93131705-A-G. GRCh37 (hg19) VCF-style: chr7-92761018-A-G.
Other names: c.4267T>C, p.Tyr1423His (NM_001303496.3, NM_001303497.3, NM_001303498.3 and 5 more transcripts); short protein forms Y1423H.
Identifiers: ClinVar variation 4630103 (VCV004630103.1).
Genomic context (GRCh38, chr7:93,131,705, plus strand): 5'-GATCTAGCTCTTGATTTTCTGGCCAGAACAGGAGGCAGGCCAAGAAATAAGGACCTGGAT[A>G]TTGATGACTTAGTCCTACAAATTGCAAGACCTCTCGGAGTTGTTTTTTTAGCGTGGTAAG-3'
Protein context (NP_689916.2, residues 1413-1433): VLQFVGLSHQ[Tyr1423His]PGPYFLACLL

ClinVar aggregate classification (germline): Uncertain significance (1 of 4 stars; one submission).

Conditions:
Inborn genetic diseases. Identifiers: MedGen C0950123, MeSH D030342.

Submission:

Ambry Genetics
Classification: Uncertain significance for Inborn genetic diseases. Last evaluated: 2025-11-10. Review status: criteria provided, single submitter. Criteria: Ambry Variant Classification Scheme 2023. Collection method: clinical testing. Allele origin: germline.
Comment: The p.Y1423H variant (also known as c.4267T>C), located in coding exon 1 of the SAMD9L gene, results from a T to C substitution at nucleotide position 4267. The tyrosine at codon 1423 is replaced by histidine, an amino acid with similar properties. This amino acid position is conserved. In addition, this alteration is predicted to be tolerated by in silico analysis. Based on the available evidence, the clinical significance of this variant remains unclear.